The following is an entry in ClinVar:

ClinVar aggregate classification (germline): Uncertain significance (1 of 4 stars; one submission).

Submission:

Labcorp Genetics (formerly Invitae), Labcorp
Classification: Uncertain significance. Last evaluated: 2024-05-22. Review status: criteria provided, single submitter. Criteria: Invitae Variant Classification Sherloc (09022015). Collection method: clinical testing. Allele origin: germline.
Comment: This sequence change replaces alanine, which is neutral and non-polar, with glutamic acid, which is acidic and polar, at codon 32 of the OSTM1 protein (p.Ala32Glu). This variant is not present in population databases (gnomAD no frequency). This variant has not been reported in the literature in individuals affected with OSTM1-related conditions. Algorithms developed to predict the effect of missense changes on protein structure and function output the following: SIFT: "Not Available"; PolyPhen-2: "Benign"; Align-GVGD: "Not Available". The glutamic acid amino acid residue is found in multiple mammalian species, which suggests that this missense change does not adversely affect protein function. In summary, the available evidence is currently insufficient to determine the role of this variant in disease. Therefore, it has been classified as a Variant of Uncertain Significance.

NM_014028.4(OSTM1):c.95C>A (p.Ala32Glu)

Genes: OSTM1 (osteoclastogenesis associated transmembrane protein 1; minus strand), LOC129996933 (ATAC-STARR-seq lymphoblastoid silent region 17446; plus strand). Cytogenetic location: 6q21.
Variant type: single nucleotide variant.
Coding change: c.95C>A on transcript NM_014028.4 (MANE Select); coding-DNA position 95, C replaced by A.
Protein change: p.Ala32Glu; replaces alanine 32 with glutamic acid.
Molecular consequence: missense variant.
Genome position (GRCh38, 1-based): chr6:108,074,557, G>T on the plus strand (C>A on the coding strand, the complement: OSTM1 is on the minus strand). VCF-style: chr6-108074557-G-T. GRCh37 (hg19) VCF-style: chr6-108395761-G-T.
Other names: short protein forms A32E.
Identifiers: ClinVar variation 3687535 (VCV003687535.1).